The following is an entry in ClinVar:

ClinVar aggregate classification (germline): Conflicting classifications of pathogenicity. Review status: criteria provided, conflicting classifications (1 of 4 stars). 4 submissions from 4 submitters: Uncertain significance (3); Likely benign (1). Last evaluated 2022-12-12.

Conditions:
RFX5-related disorder. Also called: RFX5-related condition.
MHC class II deficiency. Also called: Bare lymphocyte syndrome 2; BLS, TYPE II. Identifiers: Orphanet 572, MedGen C5447452, MONDO:0008855.

Allele frequency attached by ClinVar (database versions not stated): ExAC 0.00003; gnomAD exomes 0.00003 and 0.00010; TOPMed 0.00003; gnomAD 0.00004; ESP Exome Variant Server 0.00008.

Submissions (4):

PreventionGenetics, part of Exact Sciences
Classification: Uncertain significance for RFX5-related condition. Last evaluated: 2022-12-12. Review status: criteria provided, single submitter. Criteria: ACMG Guidelines, 2015. Collection method: clinical testing. Allele origin: germline.
Comment: The RFX5 c.1805G>A variant is predicted to result in the amino acid substitution p.Ser602Asn. To our knowledge, this variant has not been reported in the literature. This variant is reported in 0.0085% of alleles in individuals of Latino descent in gnomAD. At this time, the clinical significance of this variant is uncertain due to the absence of conclusive functional and genetic evidence.

Labcorp Genetics (formerly Invitae), Labcorp
Classification: Uncertain significance for MHC class II deficiency. Last evaluated: 2022-08-09. Review status: criteria provided, single submitter. Criteria: Invitae Variant Classification Sherloc (09022015). Collection method: clinical testing. Allele origin: germline.
Comment: This sequence change replaces serine, which is neutral and polar, with asparagine, which is neutral and polar, at codon 602 of the RFX5 protein (p.Ser602Asn). This variant is present in population databases (rs371115213, gnomAD 0.009%). This variant has not been reported in the literature in individuals affected with RFX5-related conditions. ClinVar contains an entry for this variant (Variation ID: 573595). Algorithms developed to predict the effect of missense changes on protein structure and function output the following: SIFT: "Tolerated"; PolyPhen-2: "Benign"; Align-GVGD: "Class C0". The asparagine amino acid residue is found in multiple mammalian species, which suggests that this missense change does not adversely affect protein function. In summary, the available evidence is currently insufficient to determine the role of this variant in disease. Therefore, it has been classified as a Variant of Uncertain Significance.

Ambry Genetics
Classification: Likely benign. Last evaluated: 2022-06-27. Review status: criteria provided, single submitter. Criteria: Ambry Variant Classification Scheme 2023. Collection method: clinical testing. Allele origin: germline.

Illumina Laboratory Services, Illumina
Classification: Uncertain significance for MHC class II deficiency 1. Last evaluated: 2018-01-13. Review status: criteria provided, single submitter. Criteria: ICSL Variant Classification Criteria 13 December 2019. Collection method: clinical testing. Allele origin: germline.

NM_001025603.2(RFX5):c.1805G>A (p.Ser602Asn)

Gene: RFX5 (regulatory factor X5; minus strand). Cytogenetic location: 1q21.3.
Variant type: single nucleotide variant.
Coding change: c.1805G>A on transcript NM_001025603.2 (MANE Select); coding-DNA position 1805, G replaced by A.
Protein change: p.Ser602Asn; replaces serine 602 with asparagine.
Molecular consequence: missense variant.
Genome position (GRCh38, 1-based): chr1:151,342,232, C>T on the plus strand (G>A on the coding strand, the complement: RFX5 is on the minus strand). VCF-style: chr1-151342232-C-T. GRCh37 (hg19) VCF-style: chr1-151314708-C-T.
Other names: c.1805G>A, p.Ser602Asn (NM_000449.4, NM_001379412.1, NM_001379413.1 and 5 more transcripts); c.1685G>A, p.Ser562Asn (NM_001379419.1, NM_001379420.1); short protein forms S602N, S562N.
Identifiers: ClinVar variation 573595 (VCV000573595.11), dbSNP rs371115213, ClinGen allele CA1089540.